The following is an entry in ClinVar:

ClinVar aggregate classification (germline): Uncertain significance (1 of 4 stars; one submission).

Submission:

GeneDx
Classification: Uncertain significance. Last evaluated: 2019-06-04. Review status: criteria provided, single submitter. Criteria: GeneDx Variant Classification Process June 2021. Collection method: clinical testing. Allele origin: germline. Affected: yes.
Comment: Has not been previously published as pathogenic or benign to our knowledge; Not observed in large population cohorts (Lek et al., 2016); In silico analysis, which includes protein predictors and evolutionary conservation, supports that this variant does not alter protein structure/function

NM_001110556.2(FLNA):c.1017C>G (p.Asn339Lys)

Gene: FLNA (filamin A; minus strand). Cytogenetic location: Xq28.
Variant type: single nucleotide variant.
Coding change: c.1017C>G on transcript NM_001110556.2 (MANE Select); coding-DNA position 1017, C replaced by G.
Protein change: p.Asn339Lys; replaces asparagine 339 with lysine.
Molecular consequence: missense variant.
Genome position (GRCh38, 1-based): chrX:154,366,610, G>C on the plus strand (C>G on the coding strand, the complement: FLNA is on the minus strand). VCF-style: chrX-154366610-G-C. GRCh37 (hg19) VCF-style: chrX-153594978-G-C.
Other names: c.1017C>G, p.Asn339Lys (NM_001456.4); short protein forms N339K.
Identifiers: ClinVar variation 1306270 (VCV001306270.2), dbSNP rs2148118289, ClinGen allele CA415247211.